The following is an entry in ClinVar:

ClinVar aggregate classification (germline): Pathogenic. Review status: reviewed by expert panel (3 of 4 stars). 2 submissions from 2 submitters: Pathogenic (1). 1 of the submissions does not count toward it. Last evaluated 2020-04-09.

Conditions:
Phenylketonuria (PKU). Also called: OLIGOPHRENIA PHENYLPYRUVICA; Phenylketonurias; FOLLING DISEASE; Phenylketonuria (PKU). Identifiers: Orphanet 716, MedGen C0031485, MONDO:0009861, OMIM 261600. Disease mechanism: loss of function.

Submissions (2):

ClinGen PAH Variant Curation Expert Panel
Classification: Pathogenic for Phenylketonuria. Last evaluated: 2020-04-09. Review status: reviewed by expert panel. Criteria: ClinGen PAH ACMG Specifications v1. Collection method: curation. Allele origin: germline. Inheritance: Autosomal recessive inheritance.
Comment: The c.1200-2A>C variant in PAH is a null variant (canonical +/- 1 or 2 splice sites) in a gene where LOF is a known mechanism of disease, exon skipping disrupts reading frame, and is predicted to undergo NMD. Coding exon 12 is present in biologically-relevant transcript (PVS1). It is absent from ethnically diverse control databases, including gnomAD/ExAC, 1000 Genomes, and ESP (PM2). It has been previously reported in two Ugyur probands (PMID: 31355225) with classic PKU; BH4 deficiency was formally excluded by urinary pterin analysis (PP4_Moderate). Both cases were compound heterozygous for the variant (confirmed by parental testing): one carried it in trans with the p.A104D variant (known pathogenic per PAH ClinGen working group) and the other in trans with p.P147L variant (Likely Pathogenic per PAH ClinGen working group) (PM3_Strong). It is reported pathogenic in Clinvar (ID 625286) as a de novo variant by one lab, in a case with PKU; no further information is given.

Center for Molecular Medicine, Children’s Hospital of Fudan University
Classification: Pathogenic for Phenylketonuria. Last evaluated: 2019-03-08. Review status: no assertion criteria provided. Collection method: clinical testing. Allele origin: de novo. Affected: yes. Not counted in ClinVar's aggregate classification.

NM_000277.3(PAH):c.1200-2A>C

Gene: PAH (phenylalanine hydroxylase; minus strand). Cytogenetic location: 12q23.2.
Variant type: single nucleotide variant.
Coding change: c.1200-2A>C on transcript NM_000277.3 (MANE Select); the canonical splice acceptor site of the intron before coding-DNA position 1200, A replaced by C.
Molecular consequence: splice acceptor variant.
Genome position (GRCh38, 1-based): chr12:102,840,517, T>G on the plus strand (A>C on the coding strand, the complement: PAH is on the minus strand). VCF-style: chr12-102840517-T-G. GRCh37 (hg19) VCF-style: chr12-103234295-T-G.
Other names: c.1200-2A>C (NM_001354304.2).
Identifiers: ClinVar variation 625286 (VCV000625286.6), dbSNP rs1592945607, ClinGen allele CA386493121.